The following is an entry in ClinVar:

ClinVar aggregate classification (germline): Uncertain significance (1 of 4 stars; one submission).

Submission:

GeneDx
Classification: Uncertain significance. Last evaluated: 2025-01-31. Review status: criteria provided, single submitter. Criteria: GeneDx Variant Classification Process June 2021. Collection method: clinical testing. Allele origin: germline. Affected: yes.
Comment: Not observed at significant frequency in large population cohorts (gnomAD); In silico analysis supports that this missense variant has a deleterious effect on protein structure/function; Has not been previously published as pathogenic or benign to our knowledge

NM_001005273.3(CHD3):c.3019T>G (p.Leu1007Val)

Gene: CHD3 (chromodomain helicase DNA binding protein 3; plus strand). Cytogenetic location: 17p13.1.
Variant type: single nucleotide variant.
Coding change: c.3019T>G on transcript NM_001005273.3 (MANE Select); coding-DNA position 3019, T replaced by G.
Protein change: p.Leu1007Val; replaces leucine 1007 with valine.
Molecular consequence: missense variant.
Genome position (GRCh38, 1-based): chr17:7,900,892, T>G. VCF-style: chr17-7900892-T-G. GRCh37 (hg19) VCF-style: chr17-7804210-T-G.
Other names: c.3196T>G, p.Leu1066Val (NM_001005271.3, NM_001437504.1); c.3184T>G, p.Leu1062Val (NM_001437507.1, NM_001437508.1, NM_001437509.1); c.3019T>G, p.Leu1007Val (NM_005852.4); short protein forms L1007V, L1062V, L1066V.
Identifiers: ClinVar variation 4074491 (VCV004074491.1).